The following is an entry in ClinVar:

NM_144997.7(FLCN):c.-431C>T

Gene: FLCN (folliculin; minus strand). Cytogenetic location: 17p11.2.
Variant type: single nucleotide variant.
Coding change: c.-431C>T on transcript NM_144997.7 (MANE Select); 431 bases upstream of the start codon, C replaced by T.
Molecular consequence: 5 prime UTR variant.
Genome position (GRCh38, 1-based): chr17:17,237,115, G>A on the plus strand (C>T on the coding strand, the complement: FLCN is on the minus strand). VCF-style: chr17-17237115-G-A. GRCh37 (hg19) VCF-style: chr17-17140429-G-A.
Other names: c.-431C>T (LRG_325t1, NM_144606.7); c.-639C>T (NM_001353229.2); c.-714C>T (NM_001353230.2); c.-630C>T (NM_001353231.2).
Identifiers: ClinVar variation 322084 (VCV000322084.48), dbSNP rs138847774, ClinGen allele CA10648719.
Genomic context (GRCh38, chr17:17,237,115, plus strand): 5'-CCACGGCAGGGATGTCACCCGGGGTGGCGAGGCTCTCAAGCCCGGGTTCAGGCTCTCAGG[G>A]GAGCTGGCAGAACCAGGAGCGACCACACTCACTCGCGGTCCCGCAGCCCCGCCGACACCC-3'

ClinVar aggregate classification (germline): Uncertain significance. Review status: criteria provided, multiple submitters, no conflicts (2 of 4 stars). 4 submissions from 3 submitters: Uncertain significance (3). 1 of the submissions does not count toward it. Last evaluated 2018-06-01.

Conditions:
FLCN-related disorder. Also called: FLCN-related condition.
Birt-Hogg-Dube syndrome. Also called: Birt Hogg Dubé syndrome. Identifiers: Orphanet 122, MedGen C0346010, MONDO:0800444.
Familial spontaneous pneumothorax (PSP). Identifiers: Orphanet 2903, MedGen C1868193, MONDO:0008259, OMIM 173600.

Allele frequency attached by ClinVar (database versions not stated): TOPMed 0.00016; gnomAD 0.00018 and 0.00027; 1000 Genomes Project 0.00020; 1000 Genomes Project 30x 0.00078.

Submissions (4):

CeGaT Center for Human Genetics Tuebingen
Classification: Uncertain significance. Last evaluated: 2018-06-01. Review status: criteria provided, single submitter. Criteria: CeGaT Center For Human Genetics Tuebingen Variant Classification Criteria Version 2. Collection method: clinical testing. Allele origin: germline. Affected: yes. Observed: 1 variant allele.

Illumina Laboratory Services, Illumina
Classification: Uncertain significance for Familial spontaneous pneumothorax. Last evaluated: 2018-01-13. Review status: criteria provided, single submitter. Criteria: ICSL Variant Classification Criteria 13 December 2019. Collection method: clinical testing. Allele origin: germline.

Illumina Laboratory Services, Illumina
Classification: Uncertain significance for Birt-Hogg-Dube syndrome 1. Last evaluated: 2018-01-13. Review status: criteria provided, single submitter. Criteria: ICSL Variant Classification Criteria 13 December 2019. Collection method: clinical testing. Allele origin: germline.

PreventionGenetics, part of Exact Sciences
Classification: Likely benign for FLCN-related condition. Last evaluated: 2022-06-28. Review status: no assertion criteria provided. Collection method: clinical testing. Allele origin: germline. Not counted in ClinVar's aggregate classification.
Comment: This variant is classified as likely benign based on ACMG/AMP sequence variant interpretation guidelines (Richards et al. 2015 PMID: 25741868, with internal and published modifications).